The following is an entry in ClinVar:

ClinVar aggregate classification (germline): Uncertain significance. Review status: criteria provided, multiple submitters, no conflicts (2 of 4 stars). 2 submissions from 2 submitters: Uncertain significance (2). Last evaluated 2023-01-20.

Conditions:
Familial hypocalciuric hypercalcemia (FHH). Also called: Familial benign hypercalcemia. Identifiers: Orphanet 405, MedGen C1809471, MONDO:0018458.
Autosomal dominant hypocalcemia 1 (HYPOC1). Also called: HYPOCALCEMIA, FAMILIAL. Identifiers: MedGen C3715128, MONDO:0011013, OMIM 601198.
Nephrolithiasis/nephrocalcinosis. Identifiers: MedGen CN580796.

Submissions (2):

Labcorp Genetics (formerly Invitae), Labcorp
Classification: Uncertain significance for Familial hypocalciuric hypercalcemia; Autosomal dominant hypocalcemia 1. Last evaluated: 2023-01-20. Review status: criteria provided, single submitter. Criteria: Invitae Variant Classification Sherloc (09022015). Collection method: clinical testing. Allele origin: germline.
Comment: In summary, the available evidence is currently insufficient to determine the role of this variant in disease. Therefore, it has been classified as a Variant of Uncertain Significance. Experimental studies and prediction algorithms are not available or were not evaluated, and the functional significance of this variant is currently unknown. ClinVar contains an entry for this variant (Variation ID: 1796651). This variant has not been reported in the literature in individuals affected with CASR-related conditions. This variant is present in population databases (rs747740545, gnomAD 0.002%). This variant, c.2837_2839del, results in the deletion of 1 amino acid(s) of the CASR protein (p.Gln946del), but otherwise preserves the integrity of the reading frame.

Ambry Genetics
Classification: Uncertain significance for Nephrolithiasis/nephrocalcinosis. Last evaluated: 2022-05-25. Review status: criteria provided, single submitter. Criteria: Ambry Variant Classification Scheme 2023. Collection method: clinical testing. Allele origin: germline.
Comment: The c.2837_2839delAGC variant (also known as p.Q946del) is located in coding exon 6 of the CASR gene. This variant results from an in-frame AGC deletion at nucleotide positions 2837 to 2839. This results in the in-frame deletion of a glutamine at codon 946. This amino acid position is not well conserved in available vertebrate species. In addition, this alteration is predicted to be neutral by in silico analysis (Choi Y et al. PLoS ONE. 2012; 7(10):e46688). Since supporting evidence is limited at this time, the clinical significance of this alteration remains unclear.

NM_000388.4(CASR):c.2825AGC[4] (p.Gln946del)

Gene: CASR (calcium sensing receptor; plus strand). Cytogenetic location: 3q21.1.
Variant type: Microsatellite.
Coding change: c.2825AGC[4] on transcript NM_000388.4 (MANE Select); four copies in a row of the 3-base unit AGC starting at c.2825; the reference has five copies in a row; one copy, 3 bases deleted.
Protein change: p.Gln946del; deletes glutamine 946.
Molecular consequence: inframe deletion.
Genome position (GRCh38, 1-based): chr3:122,284,791-122,284,793, AGC deleted; deleting any 3 consecutive bases within chr3:122,284,779-122,284,793 gives the same sequence; the position shown is the placement nearest the transcript's 3' end. VCF-style (leftmost placement, unchanged base first): chr3-122284778-GAGC-G. GRCh37 (hg19) VCF-style: chr3-122003625-GAGC-G.
Other names: c.2855AGC[4], p.Gln956del (NM_001178065.2); short protein forms Q946del, Q956del.
Identifiers: ClinVar variation 1796651 (VCV001796651.5), dbSNP rs747740545, ClinGen allele CA2569871.